The following is an entry in ClinVar:

ClinVar aggregate classification (germline): Uncertain significance. Review status: criteria provided, multiple submitters, no conflicts (2 of 4 stars). 3 submissions from 3 submitters: Uncertain significance (3). Last evaluated 2026-01-19.

Conditions:
Epileptic encephalopathy. Identifiers: MedGen C0543888, HP:0200134.

Allele frequency attached by ClinVar (database versions not stated): gnomAD 0.00013; gnomAD exomes 0.00016 and 0.00041; ExAC 0.00018; TOPMed 0.00033; ESP Exome Variant Server 0.00039.
gnomAD v4.1: 655 of 1,611,132 alleles (0.041%); highest among the groups gnomAD compares: Middle Eastern, 0.051%; no homozygotes.

Submissions (3):

Labcorp Genetics (formerly Invitae), Labcorp
Classification: Uncertain significance for Epileptic encephalopathy. Last evaluated: 2026-01-19. Review status: criteria provided, single submitter. Criteria: Invitae Variant Classification Sherloc (09022015). Collection method: clinical testing. Allele origin: germline.
Comment: This sequence change replaces glutamine, which is neutral and polar, with arginine, which is basic and polar, at codon 2213 of the FASN protein (p.Gln2213Arg). This variant is present in population databases (rs142275662, gnomAD 0.02%). This variant has not been reported in the literature in individuals affected with FASN-related conditions. ClinVar contains an entry for this variant (Variation ID: 578508). An algorithm developed to predict the effect of missense changes on protein structure and function (PolyPhen-2) suggests that this variant is likely to be tolerated. In summary, the available evidence is currently insufficient to determine the role of this variant in disease. Therefore, it has been classified as a Variant of Uncertain Significance.

Ambry Genetics
Classification: Uncertain significance. Last evaluated: 2024-05-28. Review status: criteria provided, single submitter. Criteria: Ambry Variant Classification Scheme 2023. Collection method: clinical testing. Allele origin: germline.

Knight Diagnostic Laboratories, Oregon Health and Sciences University
Classification: Uncertain significance for Epileptic encephalopathy. Last evaluated: 2019-11-15. Review status: criteria provided, single submitter. Criteria: ACMG Guidelines, 2015. Collection method: clinical testing. Allele origin: germline. Observed: 1 variant allele.

NM_004104.5(FASN):c.6638A>G (p.Gln2213Arg)

Gene: FASN (fatty acid synthase; minus strand). Cytogenetic location: 17q25.3.
Variant type: single nucleotide variant.
Coding change: c.6638A>G on transcript NM_004104.5 (MANE Select); coding-DNA position 6638, A replaced by G.
Protein change: p.Gln2213Arg; replaces glutamine 2213 with arginine.
Molecular consequence: missense variant.
Genome position (GRCh38, 1-based): chr17:82,080,880, T>C on the plus strand (A>G on the coding strand, the complement: FASN is on the minus strand). VCF-style: chr17-82080880-T-C. GRCh37 (hg19) VCF-style: chr17-80038756-T-C.
Other names: short protein forms Q2213R.
Identifiers: ClinVar variation 578508 (VCV000578508.15), dbSNP rs142275662, ClinGen allele CA8851229.
Genomic context (GRCh38, chr17:82,080,880, plus strand): 5'-CGCATCAGGGTGGGGCCCTCCGGGTTCACCAGCAGGGAGCGCAGGTTCAGCTGAGTCTGC[T>C]GCTGGGCCAGACCATCCTCCTTGGGCGTGGGGCATGCCAGCTCTGTGAAGACAGGGGCAG-3'
Protein context (NP_004095.4, residues 2203-2223): PTPKEDGLAQ[Gln2213Arg]QTQLNLRSLL